The following is an entry in ClinVar:

NM_000059.4(BRCA2):c.7dup (p.Ile3fs)

Gene: BRCA2 (BRCA2 DNA repair associated; plus strand). Cytogenetic location: 13q13.1.
Variant type: Duplication.
Coding change: c.7dup on transcript NM_000059.4 (MANE Select); coding-DNA position 7, one base duplicated (A; older notation c.7dupA).
Protein change: p.Ile3fs; shifts the reading frame from isoleucine 3.
Molecular consequence: frameshift variant.
Genome position (GRCh38, 1-based): chr13:32,316,467, A duplicated. VCF-style (leftmost placement, unchanged base first): chr13-32316466-T-TA. GRCh37 (hg19) VCF-style: chr13-32890603-T-TA.
Other names: c.7dupA (NM_000059.3); short protein forms I3fs.
Identifiers: ClinVar variation 482998 (VCV000482998.5), dbSNP rs1555280093, ClinGen allele CA658656319.
Genomic context (GRCh38, chr13:32,316,466, plus strand): 5'-GTCTTCTGTTTTGCAGACTTATTTACCAAGCATTGGAGGAATATCGTAGGTAAAAATGCC[T>TA]ATTGGATCCAAAGAGAGGCCAACATTTTTTGAAATTTTTAAGACACGCTGCAACAAAGCA-3'

ClinVar aggregate classification (germline): Pathogenic (1 of 4 stars; one submission).

Conditions:
Hereditary cancer-predisposing syndrome. Also called: Neoplastic Syndromes, Hereditary; Tumor predisposition; Hereditary Cancer Syndrome; Hereditary neoplastic syndrome. Identifiers: Orphanet 140162, MedGen C0027672, MeSH D009386, MONDO:0015356.

Submission:

Ambry Genetics
Classification: Pathogenic for Hereditary cancer-predisposing syndrome. Last evaluated: 2016-01-18. Review status: criteria provided, single submitter. Criteria: Ambry Variant Classification Scheme 2023. Collection method: clinical testing. Allele origin: germline.
Comment: The c.7dupA pathogenic mutation, located in coding exon 1 of the BRCA2 gene, results from a duplication of one nucleotide at position 7, causing a translational frameshift with a predicted alternate stop codon. Since frameshifts are typically deleterious in nature, this alteration is interpreted as a disease-causing mutation (ACMG Recommendations for Standards for Interpretation and Reporting of Sequence Variations. Revision 2007. Genet Med. 2008;10:294).